The following is an entry in ClinVar:

NM_004655.4(AXIN2):c.874G>T (p.Ala292Ser)

Gene: AXIN2 (axin 2; minus strand). Cytogenetic location: 17q24.1.
Variant type: single nucleotide variant.
Coding change: c.874G>T on transcript NM_004655.4 (MANE Select); coding-DNA position 874, G replaced by T.
Protein change: p.Ala292Ser; replaces alanine 292 with serine.
Molecular consequence: missense variant.
Genome position (GRCh38, 1-based): chr17:65,549,602, C>A on the plus strand (G>T on the coding strand, the complement: AXIN2 is on the minus strand). VCF-style: chr17-65549602-C-A. GRCh37 (hg19) VCF-style: chr17-63545720-C-A.
Other names: c.874G>T, p.Ala292Ser (NM_001363813.1); short protein forms A292S.
Identifiers: ClinVar variation 1404270 (VCV001404270.8), dbSNP rs1360920012, ClinGen allele CA400679592.

ClinVar aggregate classification (germline): Uncertain significance (1 of 4 stars; one submission).

Conditions:
Oligodontia-cancer predisposition syndrome. Also called: TOOTH AGENESIS-COLORECTAL CANCER SYNDROME. Identifiers: Orphanet 300576, MedGen C1837750, MONDO:0012075, OMIM 608615. Disease mechanism: loss of function.

Submission:

Labcorp Genetics (formerly Invitae), Labcorp
Classification: Uncertain significance for Oligodontia-cancer predisposition syndrome. Last evaluated: 2021-07-04. Review status: criteria provided, single submitter. Criteria: Invitae Variant Classification Sherloc (09022015). Collection method: clinical testing. Allele origin: germline.
Comment: This sequence change replaces alanine with serine at codon 292 of the AXIN2 protein (p.Ala292Ser). The alanine residue is highly conserved and there is a moderate physicochemical difference between alanine and serine. This variant is not present in population databases (ExAC no frequency). This variant has not been reported in the literature in individuals affected with AXIN2-related conditions. Algorithms developed to predict the effect of missense changes on protein structure and function are either unavailable or do not agree on the potential impact of this missense change (SIFT: "Tolerated"; PolyPhen-2: "Probably Damaging"; Align-GVGD: "Class C0"). In summary, the available evidence is currently insufficient to determine the role of this variant in disease. Therefore, it has been classified as a Variant of Uncertain Significance.